The following is an entry in ClinVar:

ClinVar aggregate classification (germline): Uncertain significance. Review status: criteria provided, multiple submitters, no conflicts (2 of 4 stars). 8 submissions from 8 submitters: Uncertain significance (6). 2 of the submissions do not count toward it. Last evaluated 2026-05-15.

Conditions:
CFTR-related disorder (CFTR-RD). Also called: CFTR-related condition; CFTR-related disorders. Identifiers: MedGen C5924204, MONDO:7770004.
Cystic fibrosis (CF). Also called: MUCOVISCIDOSIS. Identifiers: Orphanet 586, MedGen C0010674, MONDO:0009061, OMIM 219700. Disease mechanism: loss of function.

Allele frequency attached by ClinVar (database versions not stated): gnomAD exomes below 0.00001; TOPMed below 0.00001; ExAC 0.00001.
gnomAD v4.1: 7 of 1,612,908 alleles (0.00043%); highest among the groups gnomAD compares: Non-Finnish European, 0.00051%; no homozygotes.

Submissions (8):

Ambry Genetics
Classification: Uncertain significance for Cystic fibrosis. Last evaluated: 2026-05-15. Review status: criteria provided, single submitter. Criteria: Ambry Variant Classification Scheme 2023. Collection method: clinical testing. Allele origin: germline.
Comment: The p.L1227S variant (also known as c.3680T>C), located in coding exon 22 of the CFTR gene, results from a T to C substitution at nucleotide position 3680. The leucine at codon 1227 is replaced by serine, an amino acid with dissimilar properties. This variant has been identified in conjunction with another CFTR variant in an individual with features consistent with cystic fibrosis or CFTR-related disorders (J&eacute;z&eacute;quel P et al. Mol Hum Reprod, 2000 Dec;6:1063-7). This amino acid position is highly conserved in available vertebrate species. In addition, this alteration is predicted to be deleterious by in silico analysis. Based on the available evidence, the clinical significance of this variant remains unclear.

Labcorp Genetics (formerly Invitae), Labcorp
Classification: Uncertain significance for Cystic fibrosis. Last evaluated: 2025-01-31. Review status: criteria provided, single submitter. Criteria: Invitae Variant Classification Sherloc (09022015). Collection method: clinical testing. Allele origin: germline.
Comment: This sequence change replaces leucine, which is neutral and non-polar, with serine, which is neutral and polar, at codon 1227 of the CFTR protein (p.Leu1227Ser). This variant is present in population databases (rs397508593, gnomAD 0.0009%). This missense change has been observed in individuals with congenital bilateral absence of the vas deferens (PMID: 11101688, 17413420). ClinVar contains an entry for this variant (Variation ID: 53787). Invitae Evidence Modeling of protein sequence and biophysical properties (such as structural, functional, and spatial information, amino acid conservation, physicochemical variation, residue mobility, and thermodynamic stability) indicates that this missense variant is expected to disrupt CFTR protein function with a positive predictive value of 80%. In summary, the available evidence is currently insufficient to determine the role of this variant in disease. Therefore, it has been classified as a Variant of Uncertain Significance.

Blueprint Genetics
Classification: Uncertain significance. Last evaluated: 2024-03-07. Review status: criteria provided, single submitter. Criteria: ACMG Guidelines, 2015. Collection method: clinical testing. Allele origin: germline.

Women's Health and Genetics/Laboratory Corporation of America, LabCorp
Classification: Uncertain significance. Last evaluated: 2022-02-11. Review status: criteria provided, single submitter. Criteria: LabCorp Variant Classification Summary - May 2015. Collection method: clinical testing. Allele origin: germline.
Comment: Variant summary: CFTR c.3680T>C (p.Leu1227Ser) results in a non-conservative amino acid change located in the ABC transporter-like, ATP-binding domain (IPR003439) of the encoded protein sequence. Five of five in-silico tools predict a damaging effect of the variant on protein function. The variant allele was found at a frequency of 4e-06 in 250388 control chromosomes (gnomAD and publication data). c.3680T>C has been reported in the literature in individuals affected with Congenital Bilateral Absence Of The Vas Deferens (Jezequel_2000, Grangeia_2007, Havasi_2010). These data indicate that the variant may be associated with disease. To our knowledge, no experimental evidence demonstrating an impact on protein function has been reported. Two ClinVar submitters (evaluation after 2014) cite the variant as uncertain significance. Based on the evidence outlined above, the variant was classified as VUS-possibly pathogenic.

Genome-Nilou Lab
Classification: Uncertain significance for Cystic fibrosis. Last evaluated: 2021-09-05. Review status: criteria provided, single submitter. Criteria: ACMG Guidelines, 2015. Collection method: clinical testing. Allele origin: germline. Affected: no.

Johns Hopkins Genomics, Johns Hopkins University
Classification: Uncertain significance for Cystic fibrosis. Last evaluated: 2019-11-21. Review status: criteria provided, single submitter. Criteria: ACMG Guidelines, 2015. Collection method: clinical testing. Allele origin: germline.
Comment: This CFTR variant has been previously identified in patients with features of cystic fibrosis. A single submitter in ClinVar classifies the clinical significance of this variant as uncertain. CFTR c.3680T>C (rs397508593) is present in one individual in a large population dataset4 (gnomAD: 1/249796 total alleles; 0.0004%; no homozygotes). Three bioinformatic tools queried predict that this substitution would probably be damaging, and the leucine residue at this position is evolutionarily conserved across all species assessed. We consider the clinical significance of c.3680T>C to be uncertain at this time.

Natera, Inc.
Classification: Uncertain significance for CFTR-related disorders. Last evaluated: 2020-10-14. Review status: no assertion criteria provided. Collection method: clinical testing. Allele origin: germline. Not counted in ClinVar's aggregate classification.

ClinVar Staff, National Center for Biotechnology Information (NCBI)
No classification provided. Condition: CFTR-related disorders. Review status: no classification provided. Collection method: literature only. Allele origin: germline. Affected: yes. Not counted in ClinVar's aggregate classification.

Literature cited by the submitters: PubMed 11101688 (cited by 4 submitters); PubMed 17413420 (cited by 3 submitters); PubMed 19202204 (cited by Women's Health and Genetics/Laboratory Corporation of America, LabCorp); PubMed 20021716 (cited by Women's Health and Genetics/Laboratory Corporation of America, LabCorp); PubMed 20100616 (cited by Women's Health and Genetics/Laboratory Corporation of America, LabCorp); PubMed 25735457 (cited by Women's Health and Genetics/Laboratory Corporation of America, LabCorp); PubMed 25880441 (cited by Women's Health and Genetics/Laboratory Corporation of America, LabCorp); PubMed 28456595 (cited by Women's Health and Genetics/Laboratory Corporation of America, LabCorp); PubMed 29216686 (cited by Women's Health and Genetics/Laboratory Corporation of America, LabCorp).

NM_000492.4(CFTR):c.3680T>C (p.Leu1227Ser)

Genes: CFTR-AS2 (CFTR antisense RNA 2; minus strand), CFTR (CF transmembrane conductance regulator; plus strand). Cytogenetic location: 7q31.2.
Variant type: single nucleotide variant.
Coding change: c.3680T>C on transcript NM_000492.4 (MANE Select); coding-DNA position 3680, T replaced by C.
Protein change: p.Leu1227Ser; replaces leucine 1227 with serine.
Molecular consequence: missense variant.
Genome position (GRCh38, 1-based): chr7:117,627,733, T>C. VCF-style: chr7-117627733-T-C. GRCh37 (hg19) VCF-style: chr7-117267787-T-C.
Other names: short protein forms L1227S.
Identifiers: ClinVar variation 53787 (VCV000053787.15), dbSNP rs397508593, ClinGen allele CA327251.